The following is an entry in ClinVar:

NM_000059.4(BRCA2):c.587del (p.Ser196fs)

Gene: BRCA2 (BRCA2 DNA repair associated; plus strand). Cytogenetic location: 13q13.1.
Variant type: Deletion.
Coding change: c.587del on transcript NM_000059.4 (MANE Select); coding-DNA position 587, one base deleted (G; older notation c.587delG).
Protein change: p.Ser196fs; shifts the reading frame from serine 196.
Molecular consequence: frameshift variant. On other transcripts: non-coding transcript variant (1).
Genome position (GRCh38, 1-based): chr13:32,326,569, G deleted. VCF-style (leftmost placement, unchanged base first): chr13-32326568-AG-A. GRCh37 (hg19) VCF-style: chr13-32900705-AG-A.
Other names: c.587delG, p.Ser196Ilefs (NM_000059.3); c.587del, p.Ser196fs (NM_001406719.1, NM_001406720.1, NM_001406721.1 and 1 more transcripts); c.218del, p.Ser73fs (NM_001406722.1); short protein forms S196fs, S73fs.
Identifiers: ClinVar variation 3377816 (VCV003377816.1).

ClinVar aggregate classification (germline): Pathogenic (1 of 4 stars; one submission).

Conditions:
Breast-ovarian cancer, familial, susceptibility to, 2 (BROVCA2). Also called: BRCA2 Hereditary Breast and Ovarian Cancer. Identifiers: Orphanet 145, MedGen C2675520, MONDO:0012933, OMIM 612555. Disease mechanism: loss of function.

Submission:

St. Jude Molecular Pathology, St. Jude Children's Research Hospital
Classification: Pathogenic for Breast-ovarian cancer, familial, susceptibility to, 2. Last evaluated: 2023-12-15. Review status: criteria provided, single submitter. Criteria: St. Jude Assertion Criteria 2020. Collection method: clinical testing. Allele origin: germline.
Comment: The BRCA2 c.587del (p.Ser196IlefsTer3) change deletes one nucleotide to cause a frameshift and the creation of a premature stop codon. This change is predicted to cause protein truncation or absence of protein due to nonsense-mediated decay. To our knowledge, this variant has not been reported in individuals with hereditary breast and ovarian cancer syndrome or Fanconi anemia. This variant is absent in gnomAD v2.1.1. In summary, this variant meets criteria to be classified as pathogenic.